The following is an entry in ClinVar:

NM_005413.4(SIX3):c.820_832delinsCTGGACCT (p.Ala274fs)

Gene: SIX3 (SIX homeobox 3; plus strand). Cytogenetic location: 2p21.
Variant type: Indel.
Coding change: c.820_832delinsCTGGACCT on transcript NM_005413.4 (MANE Select); coding-DNA positions 820 to 832, GCCATTGGACCGA replaced by CTGGACCT.
Protein change: p.Ala274fs; shifts the reading frame from alanine 274.
Molecular consequence: frameshift variant.
Genome position (GRCh38, 1-based): chr2:44,944,581-44,944,593, GCCATTGGACCGA replaced by CTGGACCT. VCF-style: chr2-44944581-GCCATTGGACCGA-CTGGACCT. GRCh37 (hg19) VCF-style: chr2-45171720-GCCATTGGACCGA-CTGGACCT.
Other names: short protein forms A274fs.
Identifiers: ClinVar variation 2577596 (VCV002577596.1), dbSNP rs2466518337, ClinGen allele CA2580617417.

ClinVar aggregate classification (germline): Likely pathogenic (1 of 4 stars; one submission).

Submission:

GeneDx
Classification: Likely pathogenic. Last evaluated: 2023-08-22. Review status: criteria provided, single submitter. Criteria: GeneDx Variant Classification Process June 2021. Collection method: clinical testing. Allele origin: germline. Affected: yes.
Comment: Frameshift variant predicted to result in protein truncation, as the last 59 amino acids are replaced with 55 different amino acids, and other loss-of-function variants have been reported downstream in the Human Gene Mutation Database (HGMD); Not observed at significant frequency in large population cohorts (gnomAD); This variant is associated with the following publications: (PMID: 19346217, 20635334)